The following is an entry in ClinVar:

NM_000212.3(ITGB3):c.2002G>C (p.Val668Leu)

Gene: ITGB3 (integrin subunit beta 3; plus strand). Cytogenetic location: 17q21.32.
Variant type: single nucleotide variant.
Coding change: c.2002G>C on transcript NM_000212.3 (MANE Select); coding-DNA position 2002, G replaced by C.
Protein change: p.Val668Leu; replaces valine 668 with leucine.
Molecular consequence: missense variant.
Genome position (GRCh38, 1-based): chr17:47,300,566, G>C. VCF-style: chr17-47300566-G-C. GRCh37 (hg19) VCF-style: chr17-45377932-G-C.
Other names: short protein forms V668L.
Identifiers: ClinVar variation 2220339 (VCV002220339.4), dbSNP rs762512013, ClinGen allele CA8623416.

ClinVar aggregate classification (germline): Uncertain significance. Review status: criteria provided, multiple submitters, no conflicts (2 of 4 stars). 2 submissions from 2 submitters: Uncertain significance (2). Last evaluated 2025-06-07.

Conditions:
Inborn genetic diseases. Identifiers: MedGen C0950123, MeSH D030342.

Allele frequency attached by ClinVar (database versions not stated): gnomAD 0.00003; ExAC 0.00004; TOPMed 0.00006; gnomAD exomes 0.00007.
gnomAD v4.1: 103 of 1,613,504 alleles (0.0064%); highest among the groups gnomAD compares: Non-Finnish European, 0.0081%; no homozygotes.

Submissions (2):

Ambry Genetics
Classification: Uncertain significance for Inborn genetic diseases. Last evaluated: 2025-06-07. Review status: criteria provided, single submitter. Criteria: Ambry Variant Classification Scheme 2023. Collection method: clinical testing. Allele origin: germline.

Labcorp Genetics (formerly Invitae), Labcorp
Classification: Uncertain significance. Last evaluated: 2025-04-30. Review status: criteria provided, single submitter. Criteria: Invitae Variant Classification Sherloc (09022015). Collection method: clinical testing. Allele origin: germline.
Comment: This sequence change replaces valine, which is neutral and non-polar, with leucine, which is neutral and non-polar, at codon 668 of the ITGB3 protein (p.Val668Leu). This variant is present in population databases (rs762512013, gnomAD 0.009%). This variant has not been reported in the literature in individuals affected with ITGB3-related conditions. ClinVar contains an entry for this variant (Variation ID: 2220339). Invitae Evidence Modeling of protein sequence and biophysical properties (such as structural, functional, and spatial information, amino acid conservation, physicochemical variation, residue mobility, and thermodynamic stability) has been performed for this missense variant. However, the output from this modeling did not meet the statistical confidence thresholds required to predict the impact of this variant on ITGB3 protein function. In summary, the available evidence is currently insufficient to determine the role of this variant in disease. Therefore, it has been classified as a Variant of Uncertain Significance.